The following is an entry in ClinVar:

ClinVar aggregate classification (germline): Benign/Likely benign. Review status: criteria provided, multiple submitters, no conflicts (2 of 4 stars). 4 submissions from 4 submitters: Benign (2); Likely benign (2). Last evaluated 2026-01-27.

Conditions:
Autosomal dominant cerebellar ataxia. Also called: Spinocerebellar Ataxia, Dominant. Identifiers: Orphanet 99, MedGen C4087347, MONDO:0020380.

Allele frequency attached by ClinVar (database versions not stated): gnomAD exomes 0.00078 and 0.00229; ExAC 0.00274; gnomAD 0.00827 and 0.00894; ESP Exome Variant Server 0.00901; 1000 Genomes Project 0.00938; TOPMed 0.00949; 1000 Genomes Project 30x 0.00968.
gnomAD v4.1: 2,478 of 1,613,658 alleles (0.15%); highest among the groups gnomAD compares: African/African-American, 2.7%; 33 homozygotes.

Submissions (4):

Labcorp Genetics (formerly Invitae), Labcorp
Classification: Benign. Last evaluated: 2026-01-27. Review status: criteria provided, single submitter. Criteria: Invitae Variant Classification Sherloc (09022015). Collection method: clinical testing. Allele origin: germline.

GeneDx
Classification: Likely benign. Last evaluated: 2018-12-01. Review status: criteria provided, single submitter. Criteria: GeneDx Variant Classification Process June 2021. Collection method: clinical testing. Allele origin: germline. Affected: yes.

Illumina Laboratory Services, Illumina
Classification: Benign for Spinocerebellar Ataxia, Dominant. Last evaluated: 2018-01-13. Review status: criteria provided, single submitter. Criteria: ICSL Variant Classification Criteria 13 December 2019. Collection method: clinical testing. Allele origin: germline.
Comment: This variant was observed in the ICSL laboratory as part of a predisposition screen in an ostensibly healthy population. It had not been previously curated by ICSL or reported in the Human Gene Mutation Database (HGMD: prior to June 1st, 2018), and was therefore a candidate for classification through an automated scoring system. Utilizing variant allele frequency, disease prevalence and penetrance estimates, and inheritance mode, an automated score was calculated to assess if this variant is too frequent to cause the disease. Based on the score and internal cut-off values, a variant classified as benign is not then subjected to further curation. The score for this variant resulted in a classification of benign for this disease.

Breakthrough Genomics
Classification: Likely benign. Review status: criteria provided, single submitter. Criteria: ACMG Guidelines, 2015. Collection method: not provided. Allele origin: germline. Inheritance: Autosomal dominant inheritance. Affected: yes.

NM_001378452.1(ITPR1):c.3327+12C>T

Gene: ITPR1 (inositol 1,4,5-trisphosphate receptor type 1; plus strand). Cytogenetic location: 3p26.1.
Variant type: single nucleotide variant.
Coding change: c.3327+12C>T on transcript NM_001378452.1 (MANE Select); 12 bases into the intron after coding-DNA position 3327, C replaced by T.
Molecular consequence: intron variant.
Genome position (GRCh38, 1-based): chr3:4,683,563, C>T. VCF-style: chr3-4683563-C-T. GRCh37 (hg19) VCF-style: chr3-4725247-C-T.
Other names: c.3300+12C>T (NM_001099952.4); c.3282+12C>T (NM_001168272.2); c.3255+12C>T (NM_002222.7).
Identifiers: ClinVar variation 345725 (VCV000345725.16), dbSNP rs116022052, ClinGen allele CA2231639.